The following is an entry in ClinVar:

NM_004104.5(FASN):c.4188C>T (p.Tyr1396=)

Gene: FASN (fatty acid synthase; minus strand). Cytogenetic location: 17q25.3.
Variant type: single nucleotide variant.
Coding change: c.4188C>T on transcript NM_004104.5 (MANE Select); coding-DNA position 4188, C replaced by T.
Protein change: p.Tyr1396=; no amino-acid change (tyrosine 1396 retained).
Molecular consequence: synonymous variant.
Genome position (GRCh38, 1-based): chr17:82,085,337, G>A on the plus strand (C>T on the coding strand, the complement: FASN is on the minus strand). VCF-style: chr17-82085337-G-A. GRCh37 (hg19) VCF-style: chr17-80043213-G-A.
Identifiers: ClinVar variation 462052 (VCV000462052.15), dbSNP rs45506801, ClinGen allele CA8852162.

ClinVar aggregate classification (germline): Benign. Review status: criteria provided, multiple submitters, no conflicts (2 of 4 stars). 3 submissions from 3 submitters: Benign (2). 1 of the submissions does not count toward it. Last evaluated 2026-02-02.

Conditions:
FASN-related disorder. Also called: FASN-related condition.
Epileptic encephalopathy. Identifiers: MedGen C0543888, HP:0200134.

Allele frequency attached by ClinVar (database versions not stated): gnomAD exomes 0.00089 and 0.00229; ExAC 0.00307; gnomAD 0.00886 and 0.00955; TOPMed 0.01015; 1000 Genomes Project 0.01058; ESP Exome Variant Server 0.01068; 1000 Genomes Project 30x 0.01077.
gnomAD v4.1: 2,685 of 1,611,624 alleles (0.17%); highest among the groups gnomAD compares: African/African-American, 3.2%; 24 homozygotes.

Submissions (3):

Labcorp Genetics (formerly Invitae), Labcorp
Classification: Benign for Epileptic encephalopathy. Last evaluated: 2026-02-02. Review status: criteria provided, single submitter. Criteria: Invitae Variant Classification Sherloc (09022015). Collection method: clinical testing. Allele origin: germline.

Breakthrough Genomics
Classification: Benign. Review status: criteria provided, single submitter. Criteria: ACMG Guidelines, 2015. Collection method: not provided. Allele origin: germline. Inheritance: Unknown mechanism. Affected: yes.

PreventionGenetics, part of Exact Sciences
Classification: Benign for FASN-related condition. Last evaluated: 2019-09-09. Review status: no assertion criteria provided. Collection method: clinical testing. Allele origin: germline. Not counted in ClinVar's aggregate classification.
Comment: This variant is classified as benign based on ACMG/AMP sequence variant interpretation guidelines (Richards et al. 2015 PMID: 25741868, with internal and published modifications).